The following is an entry in ClinVar:

ClinVar aggregate classification (germline): Likely benign. Review status: criteria provided, single submitter (1 of 4 stars). 2 submissions from 2 submitters: Likely benign (1). 1 of the submissions does not count toward it. Last evaluated 2023-10-09.

Conditions:
COL4A3-related disorder. Also called: COL4A3-related condition; COL4A3-Related Disorders.

Allele frequency attached by ClinVar (database versions not stated): gnomAD exomes below 0.00001.
gnomAD v4.1: 1 of 1,613,744 alleles (0.000062%); highest among the groups gnomAD compares: East Asian, 0.0022%; no homozygotes.

Submissions (2):

Labcorp Genetics (formerly Invitae), Labcorp
Classification: Likely benign. Last evaluated: 2023-10-09. Review status: criteria provided, single submitter. Criteria: Invitae Variant Classification Sherloc (09022015). Collection method: clinical testing. Allele origin: germline.

PreventionGenetics, part of Exact Sciences
Classification: Likely benign for COL4A3-related condition. Last evaluated: 2024-08-19. Review status: no assertion criteria provided. Collection method: clinical testing. Allele origin: germline. Not counted in ClinVar's aggregate classification.
Comment: This variant is classified as likely benign based on ACMG/AMP sequence variant interpretation guidelines (Richards et al. 2015 PMID: 25741868, with internal and published modifications).

NM_000091.5(COL4A3):c.933+8G>A

Genes: COL4A3 (collagen type IV alpha 3 chain; plus strand), MFF-DT (MFF divergent transcript; minus strand). Cytogenetic location: 2q36.3.
Variant type: single nucleotide variant.
Coding change: c.933+8G>A on transcript NM_000091.5 (MANE Select); 8 bases into the intron after coding-DNA position 933, G replaced by A.
Molecular consequence: intron variant.
Genome position (GRCh38, 1-based): chr2:227,256,078, G>A. VCF-style: chr2-227256078-G-A. GRCh37 (hg19) VCF-style: chr2-228120794-G-A.
Other names: c.933+8G>A (NM_000091.4).
Identifiers: ClinVar variation 1919545 (VCV001919545.6), dbSNP rs2469582399, ClinGen allele CA2580065878.